The following is an entry in ClinVar:

NM_020812.4(DOCK6):c.5956C>T (p.Arg1986Trp)

Gene: DOCK6 (dedicator of cytokinesis 6; minus strand). Cytogenetic location: 19p13.2.
Variant type: single nucleotide variant.
Coding change: c.5956C>T on transcript NM_020812.4 (MANE Select); coding-DNA position 5956, C replaced by T.
Protein change: p.Arg1986Trp; replaces arginine 1986 with tryptophan.
Molecular consequence: missense variant.
Genome position (GRCh38, 1-based): chr19:11,200,453, G>A on the plus strand (C>T on the coding strand, the complement: DOCK6 is on the minus strand). VCF-style: chr19-11200453-G-A. GRCh37 (hg19) VCF-style: chr19-11311129-G-A.
Other names: c.6061C>T, p.Arg2021Trp (NM_001367830.1); short protein forms R1986W, R2021W.
Identifiers: ClinVar variation 1304281 (VCV001304281.8), dbSNP rs36059048, ClinGen allele CA9206265.

ClinVar aggregate classification (germline): Uncertain significance. Review status: criteria provided, multiple submitters, no conflicts (2 of 4 stars). 2 submissions from 2 submitters: Uncertain significance (2). Last evaluated 2025-08-08.

gnomAD v4.1: 55 of 1,610,754 alleles (0.0034%); highest among the groups gnomAD compares: Middle Eastern, 0.016%; no homozygotes.

Submissions (2):

GeneDx
Classification: Uncertain significance. Last evaluated: 2025-08-08. Review status: criteria provided, single submitter. Criteria: GeneDx Variant Classification Process June 2021. Collection method: clinical testing. Allele origin: germline. Affected: yes.
Comment: In silico analysis supports that this missense variant has a deleterious effect on protein structure/function; Has not been previously published as pathogenic or benign to our knowledge

Labcorp Genetics (formerly Invitae), Labcorp
Classification: Uncertain significance. Last evaluated: 2023-06-29. Review status: criteria provided, single submitter. Criteria: Invitae Variant Classification Sherloc (09022015). Collection method: clinical testing. Allele origin: germline.
Comment: In summary, the available evidence is currently insufficient to determine the role of this variant in disease. Therefore, it has been classified as a Variant of Uncertain Significance. Advanced modeling of protein sequence and biophysical properties (such as structural, functional, and spatial information, amino acid conservation, physicochemical variation, residue mobility, and thermodynamic stability) performed at Invitae indicates that this missense variant is not expected to disrupt DOCK6 protein function. ClinVar contains an entry for this variant (Variation ID: 1304281). This variant has not been reported in the literature in individuals affected with DOCK6-related conditions. The frequency data for this variant in the population databases is considered unreliable, as metrics indicate poor data quality at this position in the gnomAD database. This sequence change replaces arginine, which is basic and polar, with tryptophan, which is neutral and slightly polar, at codon 1986 of the DOCK6 protein (p.Arg1986Trp).